The following is an entry in ClinVar:

NM_001377458.1(CLCC1):c.347A>G (p.Glu116Gly)

Gene: CLCC1 (chloride channel CLIC like 1; minus strand). Cytogenetic location: 1p13.3.
Variant type: single nucleotide variant.
Coding change: c.347A>G on transcript NM_001377458.1 (MANE Select); coding-DNA position 347, A replaced by G.
Protein change: p.Glu116Gly; replaces glutamic acid 116 with glycine.
Molecular consequence: missense variant. On other transcripts: non-coding transcript variant (1), intron variant (3).
Genome position (GRCh38, 1-based): chr1:108,944,050, T>C on the plus strand (A>G on the coding strand, the complement: CLCC1 is on the minus strand). VCF-style: chr1-108944050-T-C. GRCh37 (hg19) VCF-style: chr1-109486672-T-C.
Other names: c.347A>G, p.Glu116Gly (NM_001048210.3, NM_001377459.1, NM_001377460.1 and 8 more transcripts); c.245A>G, p.Glu82Gly (NM_001377469.1); c.56A>G, p.Glu19Gly (NM_001377470.1); c.340-143A>G (NM_015127.5); c.340-2552A>G (NM_001278202.2); c.339+3561A>G (NM_001278203.1); short protein forms E116G, E19G, E82G.
Identifiers: ClinVar variation 1514808 (VCV001514808.4), dbSNP rs751963287, ClinGen allele CA983607.

ClinVar aggregate classification (germline): Uncertain significance (1 of 4 stars; one submission).

Allele frequency attached by ClinVar (database versions not stated): gnomAD exomes 0.00001; ExAC 0.00002.
gnomAD v4.1: 15 of 1,580,302 alleles (0.00095%); highest among the groups gnomAD compares: Non-Finnish European, 0.0012%; no homozygotes.

Submission:

Labcorp Genetics (formerly Invitae), Labcorp
Classification: Uncertain significance. Last evaluated: 2025-03-17. Review status: criteria provided, single submitter. Criteria: Invitae Variant Classification Sherloc (09022015). Collection method: clinical testing. Allele origin: germline.
Comment: This sequence change replaces glutamic acid, which is acidic and polar, with glycine, which is neutral and non-polar, at codon 116 of the CLCC1 protein (p.Glu116Gly). This variant is present in population databases (rs751963287, gnomAD 0.002%). This variant has not been reported in the literature in individuals affected with CLCC1-related conditions. ClinVar contains an entry for this variant (Variation ID: 1514808). An algorithm developed to predict the effect of missense changes on protein structure and function (PolyPhen-2) suggests that this variant is likely to be disruptive. In summary, the available evidence is currently insufficient to determine the role of this variant in disease. Therefore, it has been classified as a Variant of Uncertain Significance.